The following is an entry in ClinVar:

NM_001040108.2(MLH3):c.484A>G (p.Met162Val)

Gene: MLH3 (mutL homolog 3; minus strand). Cytogenetic location: 14q24.3.
Variant type: single nucleotide variant.
Coding change: c.484A>G on transcript NM_001040108.2 (MANE Select); coding-DNA position 484, A replaced by G.
Protein change: p.Met162Val; replaces methionine 162 with valine.
Molecular consequence: missense variant.
Genome position (GRCh38, 1-based): chr14:75,049,172, T>C on the plus strand (A>G on the coding strand, the complement: MLH3 is on the minus strand). VCF-style: chr14-75049172-T-C. GRCh37 (hg19) VCF-style: chr14-75515875-T-C.
Other names: c.484A>G, p.Met162Val (NM_014381.3); short protein forms M162V.
Identifiers: ClinVar variation 704889 (VCV000704889.14), dbSNP rs188493164, ClinGen allele CA7276018.

ClinVar aggregate classification (germline): Likely benign. Review status: criteria provided, multiple submitters, no conflicts (2 of 4 stars). 3 submissions from 3 submitters: Likely benign (3). Last evaluated 2025-11-24.

Conditions:
MLH3-related disorder. Also called: MLH3-related condition.
Colorectal cancer, hereditary nonpolyposis, type 7. Identifiers: Orphanet 144, MedGen C1858380, MONDO:0013725, OMIM 614385.

Allele frequency attached by ClinVar (database versions not stated): gnomAD 0.00006 and 0.00010; gnomAD exomes 0.00007 and 0.00014; TOPMed 0.00011; ExAC 0.00014; 1000 Genomes Project 30x 0.00047; 1000 Genomes Project 0.00060.

Submissions (3):

PreventionGenetics, part of Exact Sciences
Classification: Likely benign for MLH3-related condition. Last evaluated: 2025-11-24. Review status: criteria provided, single submitter. Criteria: ACMG Guidelines, 2015. Collection method: clinical testing. Allele origin: germline.
Comment: This variant is classified as likely benign based on ACMG/AMP sequence variant interpretation guidelines (Richards et al. 2015 PMID: 25741868, with internal and published modifications).

Labcorp Genetics (formerly Invitae), Labcorp
Classification: Likely benign for Colorectal cancer, hereditary nonpolyposis, type 7. Last evaluated: 2025-04-29. Review status: criteria provided, single submitter. Criteria: Invitae Variant Classification Sherloc (09022015). Collection method: clinical testing. Allele origin: germline.

Ambry Genetics
Classification: Likely benign. Last evaluated: 2021-09-08. Review status: criteria provided, single submitter. Criteria: Ambry Variant Classification Scheme 2023. Collection method: clinical testing. Allele origin: germline.